The following is an entry in ClinVar:

ClinVar aggregate classification (germline): Uncertain significance. Review status: criteria provided, multiple submitters, no conflicts (2 of 4 stars). 2 submissions from 2 submitters: Uncertain significance (2). Last evaluated 2025-03-05.

Conditions:
Nemaline myopathy 10 (NEM10). Identifiers: MedGen C4015360, MONDO:0014513, OMIM 616165.

Allele frequency attached by ClinVar (database versions not stated): gnomAD exomes 0.00002; gnomAD 0.00003.
gnomAD v4.1: 31 of 1,607,650 alleles (0.0019%); highest among the groups gnomAD compares: Non-Finnish European, 0.002%; no homozygotes.

Submissions (2):

Labcorp Genetics (formerly Invitae), Labcorp
Classification: Uncertain significance for Nemaline myopathy 10. Last evaluated: 2025-03-05. Review status: criteria provided, single submitter. Criteria: Invitae Variant Classification Sherloc (09022015). Collection method: clinical testing. Allele origin: germline.
Comment: This sequence change replaces alanine, which is neutral and non-polar, with glycine, which is neutral and non-polar, at codon 502 of the LMOD3 protein (p.Ala502Gly). This variant is present in population databases (rs775938178, gnomAD 0.008%). This variant has not been reported in the literature in individuals affected with LMOD3-related conditions. ClinVar contains an entry for this variant (Variation ID: 1002441). An algorithm developed to predict the effect of missense changes on protein structure and function (PolyPhen-2) suggests that this variant is likely to be tolerated. In summary, the available evidence is currently insufficient to determine the role of this variant in disease. Therefore, it has been classified as a Variant of Uncertain Significance.

GeneDx
Classification: Uncertain significance. Last evaluated: 2022-06-21. Review status: criteria provided, single submitter. Criteria: GeneDx Variant Classification Process June 2021. Collection method: clinical testing. Allele origin: germline. Affected: yes.
Comment: Not observed at significant frequency in large population cohorts (gnomAD); In silico analysis supports that this missense variant does not alter protein structure/function; Has not been previously published as pathogenic or benign to our knowledge

NM_198271.5(LMOD3):c.1505C>G (p.Ala502Gly)

Gene: LMOD3 (leiomodin 3; minus strand). Cytogenetic location: 3p14.1.
Variant type: single nucleotide variant.
Coding change: c.1505C>G on transcript NM_198271.5 (MANE Select); coding-DNA position 1505, C replaced by G.
Protein change: p.Ala502Gly; replaces alanine 502 with glycine.
Molecular consequence: missense variant.
Genome position (GRCh38, 1-based): chr3:69,118,850, G>C on the plus strand (C>G on the coding strand, the complement: LMOD3 is on the minus strand). VCF-style: chr3-69118850-G-C. GRCh37 (hg19) VCF-style: chr3-69168001-G-C.
Other names: c.1505C>G, p.Ala502Gly (NM_001304418.3); short protein forms A502G.
Identifiers: ClinVar variation 1002441 (VCV001002441.6), dbSNP rs775938178, ClinGen allele CA2488754.